The following is an entry in ClinVar:

ClinVar aggregate classification (germline): Uncertain significance. Review status: criteria provided, multiple submitters, no conflicts (2 of 4 stars). 3 submissions from 3 submitters: Uncertain significance (3). Last evaluated 2025-10-26.

Conditions:
Charcot-Marie-Tooth disease type 2. Also called: Charcot-Marie-Tooth type 2. Identifiers: Orphanet 64746, MedGen C0270914, MONDO:0018993.

Allele frequency attached by ClinVar (database versions not stated): gnomAD exomes below 0.00001; gnomAD 0.00001; TOPMed 0.00002.
gnomAD v4.1: 11 of 1,613,302 alleles (0.00068%); highest among the groups gnomAD compares: Middle Eastern, 0.016%; no homozygotes.

Submissions (3):

Labcorp Genetics (formerly Invitae), Labcorp
Classification: Uncertain significance for Charcot-Marie-Tooth disease type 2. Last evaluated: 2025-10-26. Review status: criteria provided, single submitter. Criteria: Invitae Variant Classification Sherloc (09022015). Collection method: clinical testing. Allele origin: germline.
Comment: This sequence change replaces aspartic acid, which is acidic and polar, with glycine, which is neutral and non-polar, at codon 2 of the AARS protein (p.Asp2Gly). This variant is present in population databases (no rsID available, gnomAD 0.0009%). This variant has not been reported in the literature in individuals affected with AARS-related conditions. ClinVar contains an entry for this variant (Variation ID: 451287). An algorithm developed to predict the effect of missense changes on protein structure and function (PolyPhen-2) suggests that this variant is likely to be tolerated. In summary, the available evidence is currently insufficient to determine the role of this variant in disease. Therefore, it has been classified as a Variant of Uncertain Significance.

Blueprint Genetics
Classification: Uncertain significance. Last evaluated: 2022-02-25. Review status: criteria provided, single submitter. Criteria: ACMG Guidelines, 2015. Collection method: clinical testing. Allele origin: germline.

GeneDx
Classification: Uncertain significance. Last evaluated: 2017-08-29. Review status: criteria provided, single submitter. Criteria: GeneDx Variant Classification (06012015). Collection method: clinical testing. Allele origin: germline. Affected: yes.
Comment: The D2G variant has not been published as a pathogenic variant, nor has it been reported as a benign variant to our knowledge. The D2G variant is not observed in large population cohorts (Lek et al., 2016; 1000 Genomes Consortium et al., 2015; Exome Variant Server). The D2G variant is a non-conservative amino acid substitution, which is likely to impact secondary protein structure as these residues differ in polarity, charge, size and/or other properties. This substitution occurs at a position that is not conserved.. In silico analysis predicts this variant is probably damaging to the protein structure/function. In summary, based on the currently available information, it is unclear whether this variant is a pathogenic variant or a rare benign variant.

NM_001605.3(AARS1):c.5A>G (p.Asp2Gly)

Gene: AARS1 (alanyl-tRNA synthetase 1; minus strand). Cytogenetic location: 16q22.1.
Variant type: single nucleotide variant.
Coding change: c.5A>G on transcript NM_001605.3 (MANE Select); coding-DNA position 5, A replaced by G.
Protein change: p.Asp2Gly; replaces aspartic acid 2 with glycine.
Molecular consequence: missense variant.
Genome position (GRCh38, 1-based): chr16:70,282,759, T>C on the plus strand (A>G on the coding strand, the complement: AARS1 is on the minus strand). VCF-style: chr16-70282759-T-C. GRCh37 (hg19) VCF-style: chr16-70316662-T-C.
Other names: short protein forms D2G.
Identifiers: ClinVar variation 451287 (VCV000451287.9), dbSNP rs1485992879, ClinGen allele CA396570776.